The following is an entry in ClinVar:

ClinVar aggregate classification (germline): Uncertain significance (1 of 4 stars; one submission).

Conditions:
Gorlin syndrome. Also called: Nevoid Basal Cell Carcinoma Syndrome; Basal cell nevus syndrome. Identifiers: Orphanet 377, MedGen C0004779, MONDO:0007187.

Submission:

Labcorp Genetics (formerly Invitae), Labcorp
Classification: Uncertain significance for Gorlin syndrome. Last evaluated: 2024-07-01. Review status: criteria provided, single submitter. Criteria: Invitae Variant Classification Sherloc (09022015). Collection method: clinical testing. Allele origin: germline.
Comment: This sequence change replaces tryptophan, which is neutral and slightly polar, with cysteine, which is neutral and slightly polar, at codon 460 of the PTCH1 protein (p.Trp460Cys). This variant is not present in population databases (gnomAD no frequency). This variant has not been reported in the literature in individuals affected with PTCH1-related conditions. Advanced modeling of protein sequence and biophysical properties (such as structural, functional, and spatial information, amino acid conservation, physicochemical variation, residue mobility, and thermodynamic stability) performed at Invitae indicates that this missense variant is not expected to disrupt PTCH1 protein function with a negative predictive value of 95%. In summary, the available evidence is currently insufficient to determine the role of this variant in disease. Therefore, it has been classified as a Variant of Uncertain Significance.

NM_000264.5(PTCH1):c.1380G>T (p.Trp460Cys)

Gene: PTCH1 (patched 1; minus strand). Cytogenetic location: 9q22.32.
Variant type: single nucleotide variant.
Coding change: c.1380G>T on transcript NM_000264.5 (MANE Select); coding-DNA position 1380, G replaced by T.
Protein change: p.Trp460Cys; replaces tryptophan 460 with cysteine.
Molecular consequence: missense variant. On other transcripts: non-coding transcript variant (1), intron variant (1).
Genome position (GRCh38, 1-based): chr9:95,477,670, C>A on the plus strand (G>T on the coding strand, the complement: PTCH1 is on the minus strand). VCF-style: chr9-95477670-C-A. GRCh37 (hg19) VCF-style: chr9-98239952-C-A.
Other names: c.1182G>T, p.Trp394Cys (NM_001083602.3); c.1377G>T, p.Trp459Cys (NM_001083603.3); c.927G>T, p.Trp309Cys (NM_001083604.3, NM_001083605.3, NM_001083606.3 and 1 more transcripts); c.1347+385G>T (NM_001354918.2); short protein forms W460C, W394C, W459C, W309C.
Identifiers: ClinVar variation 3635855 (VCV003635855.2).
Genomic context (GRCh38, chr9:95,477,670, plus strand): 5'-TGACAGTGCAACCAGCAGGACGCCAGCCAGCCCCACGGCACCCTGGGACTTGGAGCAGTC[C>A]CAGCGCAGCATGGTTAGACAGGCATAGGCGAGCTGCAAGCAGAACAATGGGGGCACAGAA-3'
Protein context (NP_000255.2, residues 450-470): LAYACLTMLR[Trp460Cys]DCSKSQGAVG